The following is an entry in ClinVar:

NM_017866.6(TMEM70):c.426C>G (p.Ile142Met)

Gene: TMEM70 (transmembrane protein 70; plus strand). Cytogenetic location: 8q21.11.
Variant type: single nucleotide variant.
Coding change: c.426C>G on transcript NM_017866.6 (MANE Select); coding-DNA position 426, C replaced by G.
Protein change: p.Ile142Met; replaces isoleucine 142 with methionine.
Molecular consequence: missense variant. On other transcripts: 3 prime UTR variant (1), non-coding transcript variant (1).
Genome position (GRCh38, 1-based): chr8:73,981,264, C>G. VCF-style: chr8-73981264-C-G. GRCh37 (hg19) VCF-style: chr8-74893499-C-G.
Other names: c.*116C>G (NM_001040613.3); short protein forms I142M.
Identifiers: ClinVar variation 3903072 (VCV003903072.1).

ClinVar aggregate classification (germline): Uncertain significance (1 of 4 stars; one submission).

Submission:

GeneDx
Classification: Uncertain significance. Last evaluated: 2024-12-16. Review status: criteria provided, single submitter. Criteria: GeneDx Variant Classification Process June 2021. Collection method: clinical testing. Allele origin: germline. Affected: yes.
Comment: Not observed at significant frequency in large population cohorts (gnomAD); In silico analysis indicates that this missense variant does not alter protein structure/function; Has not been previously published as pathogenic or benign to our knowledge